The following is an entry in ClinVar:

NM_014629.4(ARHGEF10):c.1387C>T (p.Arg463Cys)

Gene: ARHGEF10 (Rho guanine nucleotide exchange factor 10; plus strand). Cytogenetic location: 8p23.3.
Variant type: single nucleotide variant.
Coding change: c.1387C>T on transcript NM_014629.4 (MANE Select); coding-DNA position 1387, C replaced by T.
Protein change: p.Arg463Cys; replaces arginine 463 with cysteine.
Molecular consequence: missense variant.
Genome position (GRCh38, 1-based): chr8:1,894,519, C>T. VCF-style: chr8-1894519-C-T. GRCh37 (hg19) VCF-style: chr8-1842685-C-T.
Other names: c.1273C>T, p.Arg425Cys (NM_001308152.2); c.1390C>T, p.Arg464Cys (NM_001308153.3); short protein forms R425C, R463C, R488C, R464C.
Identifiers: ClinVar variation 1914492 (VCV001914492.5), dbSNP rs766782739, ClinGen allele CA4600342.

ClinVar aggregate classification (germline): Uncertain significance (1 of 4 stars; one submission).

Allele frequency attached by ClinVar (database versions not stated): gnomAD exomes below 0.00001; gnomAD 0.00001; ExAC 0.00002.
gnomAD v4.1: 5 of 1,614,186 alleles (0.00031%); highest among the groups gnomAD compares: Middle Eastern, 0.017%; no homozygotes.

Submission:

Labcorp Genetics (formerly Invitae), Labcorp
Classification: Uncertain significance. Last evaluated: 2022-02-15. Review status: criteria provided, single submitter. Criteria: Invitae Variant Classification Sherloc (09022015). Collection method: clinical testing. Allele origin: germline.
Comment: In summary, the available evidence is currently insufficient to determine the role of this variant in disease. Therefore, it has been classified as a Variant of Uncertain Significance. Algorithms developed to predict the effect of missense changes on protein structure and function are either unavailable or do not agree on the potential impact of this missense change (SIFT: "Tolerated"; PolyPhen-2: "Probably Damaging"; Align-GVGD: "Class C0"). This variant has not been reported in the literature in individuals affected with ARHGEF10-related conditions. This variant is present in population databases (rs766782739, gnomAD 0.002%). This sequence change replaces arginine, which is basic and polar, with cysteine, which is neutral and slightly polar, at codon 463 of the ARHGEF10 protein (p.Arg463Cys).